The following is an entry in ClinVar:

NM_001374736.1(DST):c.19889A>G (p.Lys6630Arg)

Gene: DST (dystonin; minus strand). Cytogenetic location: 6p12.1.
Variant type: single nucleotide variant.
Coding change: c.19889A>G on transcript NM_001374736.1 (MANE Select); coding-DNA position 19889, A replaced by G.
Protein change: p.Lys6630Arg; replaces lysine 6630 with arginine.
Molecular consequence: missense variant.
Genome position (GRCh38, 1-based): chr6:56,501,087, T>C on the plus strand (A>G on the coding strand, the complement: DST is on the minus strand). VCF-style: chr6-56501087-T-C. GRCh37 (hg19) VCF-style: chr6-56365885-T-C.
Other names: c.13532A>G, p.Lys4511Arg (NM_001144769.5); c.13118A>G, p.Lys4373Arg (NM_001144770.2); c.19889A>G, p.Lys6630Arg (NM_001374722.1); c.18929A>G, p.Lys6310Arg (NM_001374729.1); c.12671A>G, p.Lys4224Arg (NM_001374730.1); c.19916A>G, p.Lys6639Arg (NM_001374734.1); c.12998A>G, p.Lys4333Arg (NM_001386100.1, NM_183380.4); c.12020A>G, p.Lys4007Arg (NM_015548.5); short protein forms K4007R, K4224R, K6310R, K4333R, K4373R, K4511R, K6630R, K6639R.
Identifiers: ClinVar variation 2927083 (VCV002927083.3), dbSNP rs372914351, ClinGen allele CA3866897.

ClinVar aggregate classification (germline): Uncertain significance (1 of 4 stars; one submission).

Conditions:
Hereditary sensory and autonomic neuropathy type 6. Also called: HSAN VI; Neuropathy, hereditary sensory and autonomic, type VI. Identifiers: Orphanet 314381, MedGen C3539003, MONDO:0013839, OMIM 614653.
Epidermolysis bullosa simplex 3, localized or generalized intermediate, with BP230 deficiency (EBS3). Also called: Epidermolysis bullosa simplex, autosomal recessive 2; Epidermolysis bullosa simplex due to BP230 deficiency. Identifiers: Orphanet 412181, MedGen C3809470, MONDO:0014180, OMIM 615425.

Allele frequency attached by ClinVar (database versions not stated): gnomAD exomes below 0.00001; ExAC 0.00001; gnomAD 0.00002; TOPMed 0.00003; ESP Exome Variant Server 0.00008.
gnomAD v4.1: 4 of 1,612,282 alleles (0.00025%); highest among the groups gnomAD compares: African/African-American, 0.0053%; no homozygotes.

Submission:

Labcorp Genetics (formerly Invitae), Labcorp
Classification: Uncertain significance for Epidermolysis bullosa simplex 3, localized or generalized intermediate, with BP230 deficiency; Hereditary sensory and autonomic neuropathy type 6. Last evaluated: 2023-12-18. Review status: criteria provided, single submitter. Criteria: Invitae Variant Classification Sherloc (09022015). Collection method: clinical testing. Allele origin: germline.
Comment: The DST gene has multiple clinically relevant transcripts. This variant occurs in alternate transcript NM_015548.4, and corresponds to NM_001723.5:c.*114430A>G in the primary transcript. This sequence change replaces lysine, which is basic and polar, with arginine, which is basic and polar, at codon 4007 of the DST protein (p.Lys4007Arg). This variant is present in population databases (rs372914351, gnomAD 0.007%). This variant has not been reported in the literature in individuals affected with DST-related conditions. Experimental studies and prediction algorithms are not available or were not evaluated, and the functional significance of this variant is currently unknown. In summary, the available evidence is currently insufficient to determine the role of this variant in disease. Therefore, it has been classified as a Variant of Uncertain Significance.